The following is an entry in ClinVar:

ClinVar aggregate classification (germline): Uncertain significance (1 of 4 stars; one submission).

Conditions:
Hereditary cancer-predisposing syndrome. Also called: Neoplastic Syndromes, Hereditary; Tumor predisposition; Hereditary Cancer Syndrome; Hereditary neoplastic syndrome. Identifiers: Orphanet 140162, MedGen C0027672, MeSH D009386, MONDO:0015356.

Submission:

Ambry Genetics
Classification: Uncertain significance for Hereditary cancer-predisposing syndrome. Last evaluated: 2026-03-09. Review status: criteria provided, single submitter. Criteria: Ambry Variant Classification Scheme 2023. Collection method: clinical testing. Allele origin: germline.
Comment: The p.K792T variant (also known as c.2375A>C), located in coding exon 14 of the ATM gene, results from an A to C substitution at nucleotide position 2375. The lysine at codon 792 is replaced by threonine, an amino acid with similar properties. In an assay testing ATM function, this variant showed a functionally normal result (Lee KS et al. Cell, 2025 Sep;188:5081-5099.e27). This amino acid position is well conserved in available vertebrate species. In addition, the in silico prediction for this alteration is inconclusive. Based on the available evidence, the clinical significance of this variant remains unclear.

Literature cited by the submitters: PubMed 40580951.

NM_000051.4(ATM):c.2375A>C (p.Lys792Thr)

Gene: ATM (ATM serine/threonine kinase; plus strand). Cytogenetic location: 11q22.3.
Variant type: single nucleotide variant.
Coding change: c.2375A>C on transcript NM_000051.4 (MANE Select); coding-DNA position 2375, A replaced by C.
Protein change: p.Lys792Thr; replaces lysine 792 with threonine.
Molecular consequence: missense variant.
Genome position (GRCh38, 1-based): chr11:108,257,605, A>C. VCF-style: chr11-108257605-A-C. GRCh37 (hg19) VCF-style: chr11-108128332-A-C.
Other names: c.2375A>C, p.Lys792Thr (NM_001351834.2); short protein forms K792T.
Identifiers: ClinVar variation 4825523 (VCV004825523.1).